The following is an entry in ClinVar:

NM_000142.5(FGFR3):c.1534+14G>T

Gene: FGFR3 (fibroblast growth factor receptor 3; plus strand). Cytogenetic location: 4p16.3.
Variant type: single nucleotide variant.
Coding change: c.1534+14G>T on transcript NM_000142.5 (MANE Select); 14 bases into the intron after coding-DNA position 1534, G replaced by T.
Molecular consequence: intron variant.
Genome position (GRCh38, 1-based): chr4:1,805,490, G>T. VCF-style: chr4-1805490-G-T. GRCh37 (hg19) VCF-style: chr4-1807217-G-T.
Other names: c.1540+14G>T (NM_001163213.2); c.1537+14G>T (NM_001354809.2, NM_001354810.2); c.1198+14G>T (NM_022965.4).
Identifiers: ClinVar variation 508937 (VCV000508937.8), dbSNP rs374221323, ClinGen allele CA2810428.

ClinVar aggregate classification (germline): Likely benign. Review status: criteria provided, multiple submitters, no conflicts (2 of 4 stars). 2 submissions from 2 submitters: Likely benign (2). Last evaluated 2022-09-18.

Allele frequency attached by ClinVar (database versions not stated): TOPMed 0.00002.
gnomAD v4.1: 8 of 1,612,120 alleles (0.0005%); highest among the groups gnomAD compares: Admixed American, 0.0067%; no homozygotes.

Submissions (2):

Labcorp Genetics (formerly Invitae), Labcorp
Classification: Likely benign. Last evaluated: 2022-09-18. Review status: criteria provided, single submitter. Criteria: Invitae Variant Classification Sherloc (09022015). Collection method: clinical testing. Allele origin: germline.

GeneDx
Classification: Likely benign. Last evaluated: 2017-04-13. Review status: criteria provided, single submitter. Criteria: GeneDx Variant Classification (06012015). Collection method: clinical testing. Allele origin: germline. Affected: yes.
Comment: This variant is considered likely benign or benign based on one or more of the following criteria: it is a conservative change, it occurs at a poorly conserved position in the protein, it is predicted to be benign by multiple in silico algorithms, and/or has population frequency not consistent with disease.